The following is an entry in ClinVar:

ClinVar aggregate classification (germline): Uncertain significance (1 of 4 stars; one submission).

Conditions:
Menkes kinky-hair syndrome (MNK). Also called: Copper transport disease; Menkes Disease; Classic Menkes Disease. Identifiers: Orphanet 565, MedGen C0022716, MONDO:0010651, OMIM 309400.
X-linked distal spinal muscular atrophy type 3. Also called: ATP7A-Related Distal Motor Neuropathy; SPINAL MUSCULAR ATROPHY, DISTAL, X-LINKED RECESSIVE; NEURONOPATHY, DISTAL HEREDITARY MOTOR, X-LINKED; NEUROPATHY, DISTAL HEREDITARY MOTOR, X-LINKED. Identifiers: Orphanet 139557, MedGen C1845359, MONDO:0010338, OMIM 300489.
Cutis laxa, X-linked (OHS). Also called: EDS IX; Occipital horn syndrome. Identifiers: Orphanet 198, MedGen C0268353, MONDO:0010572, OMIM 304150.

Submission:

Labcorp Genetics (formerly Invitae), Labcorp
Classification: Uncertain significance for X-linked distal spinal muscular atrophy type 3; Cutis laxa, X-linked; Menkes kinky-hair syndrome. Last evaluated: 2024-10-19. Review status: criteria provided, single submitter. Criteria: Invitae Variant Classification Sherloc (09022015). Collection method: clinical testing. Allele origin: germline.
Comment: This sequence change replaces glutamic acid, which is acidic and polar, with lysine, which is basic and polar, at codon 529 of the ATP7A protein (p.Glu529Lys). This variant is not present in population databases (gnomAD no frequency). This variant has not been reported in the literature in individuals affected with ATP7A-related conditions. Invitae Evidence Modeling of protein sequence and biophysical properties (such as structural, functional, and spatial information, amino acid conservation, physicochemical variation, residue mobility, and thermodynamic stability) indicates that this missense variant is not expected to disrupt ATP7A protein function with a negative predictive value of 95%. In summary, the available evidence is currently insufficient to determine the role of this variant in disease. Therefore, it has been classified as a Variant of Uncertain Significance.

NM_000052.7(ATP7A):c.1585G>A (p.Glu529Lys)

Gene: ATP7A (ATPase copper transporting alpha; plus strand). Cytogenetic location: Xq21.1.
Variant type: single nucleotide variant.
Coding change: c.1585G>A on transcript NM_000052.7 (MANE Select); coding-DNA position 1585, G replaced by A.
Protein change: p.Glu529Lys; replaces glutamic acid 529 with lysine.
Molecular consequence: missense variant.
Genome position (GRCh38, 1-based): chrX:78,003,114, G>A. VCF-style: chrX-78003114-G-A. GRCh37 (hg19) VCF-style: chrX-77258611-G-A.
Other names: c.1585G>A, p.Glu529Lys (NM_001282224.2); short protein forms E529K.
Identifiers: ClinVar variation 3751646 (VCV003751646.2).
Genomic context (GRCh38, chrX:78,003,114, plus strand): 5'-TTCTTATCAATGCTCTTAGGAATATATTCTATACTTGTGGCCCTGATGGCTGGCAAGGCA[G>A]AAGTAAGGTATAATCCTGCTGTTATACAACCCCCAATGATAGCAGAGTTCATCCGAGAAC-3'
Protein context (NP_000043.4, residues 519-539): ILVALMAGKA[Glu529Lys]VRYNPAVIQP